The following is an entry in ClinVar:

NM_015046.7(SETX):c.2383A>G (p.Ile795Val)

Gene: SETX (senataxin; minus strand). Cytogenetic location: 9q34.13.
Variant type: single nucleotide variant.
Coding change: c.2383A>G on transcript NM_015046.7 (MANE Select); coding-DNA position 2383, A replaced by G.
Protein change: p.Ile795Val; replaces isoleucine 795 with valine.
Molecular consequence: missense variant.
Genome position (GRCh38, 1-based): chr9:132,329,215, T>C on the plus strand (A>G on the coding strand, the complement: SETX is on the minus strand). VCF-style: chr9-132329215-T-C. GRCh37 (hg19) VCF-style: chr9-135204602-T-C.
Other names: c.2383A>G, p.Ile795Val (NM_001351527.2, NM_001351528.2); short protein forms I795V.
Identifiers: ClinVar variation 3753934 (VCV003753934.2).

ClinVar aggregate classification (germline): Uncertain significance (1 of 4 stars; one submission).

Conditions:
Amyotrophic lateral sclerosis type 4 (ALS4). Also called: AMYOTROPHIC LATERAL SCLEROSIS 4, JUVENILE; NEURONOPATHY, DISTAL HEREDITARY MOTOR, WITH PYRAMIDAL FEATURES. Identifiers: Orphanet 357043, MedGen C1865409, MONDO:0011223, OMIM 602433.
Spinocerebellar ataxia, autosomal recessive, with axonal neuropathy 2 (SCAN2). Also called: ATAXIA-OCULOMOTOR APRAXIA 2; Ataxia with Oculomotor Apraxia Type 2; Ataxia-ocular apraxia-2; Ataxia with Oculomotor Apraxia. Identifiers: Orphanet 64753, MedGen C1853761, MONDO:0018996, OMIM 606002.

Submission:

Labcorp Genetics (formerly Invitae), Labcorp
Classification: Uncertain significance for Amyotrophic lateral sclerosis type 4; Spinocerebellar ataxia, autosomal recessive, with axonal neuropathy 2. Last evaluated: 2024-07-31. Review status: criteria provided, single submitter. Criteria: Invitae Variant Classification Sherloc (09022015). Collection method: clinical testing. Allele origin: germline.
Comment: This sequence change replaces isoleucine, which is neutral and non-polar, with valine, which is neutral and non-polar, at codon 795 of the SETX protein (p.Ile795Val). This variant is not present in population databases (gnomAD no frequency). This variant has not been reported in the literature in individuals affected with SETX-related conditions. Advanced modeling of protein sequence and biophysical properties (such as structural, functional, and spatial information, amino acid conservation, physicochemical variation, residue mobility, and thermodynamic stability) performed at Invitae indicates that this missense variant is not expected to disrupt SETX protein function with a negative predictive value of 95%. In summary, the available evidence is currently insufficient to determine the role of this variant in disease. Therefore, it has been classified as a Variant of Uncertain Significance.